The following is an entry in ClinVar:

ClinVar aggregate classification (germline): Likely benign (1 of 4 stars; one submission).

gnomAD v4.1: 68 of 1,611,504 alleles (0.0042%); highest among the groups gnomAD compares: Non-Finnish European, 0.0057%; no homozygotes.

Submission:

CeGaT Center for Human Genetics Tuebingen
Classification: Likely benign. Last evaluated: 2024-09-01. Review status: criteria provided, single submitter. Criteria: CeGaT Center For Human Genetics Tuebingen Variant Classification Criteria Version 2. Collection method: clinical testing. Allele origin: germline. Affected: yes. Observed: 1 variant allele.
Comment: FLT4: BP4, BP7

NM_182925.5(FLT4):c.2490C>T (p.Tyr830=)

Genes: FLT4 (fms related receptor tyrosine kinase 4; minus strand), LOC126807632 (CDK7 strongly-dependent group 2 enhancer GRCh37_chr5:180046831-180048030; plus strand). Cytogenetic location: 5q35.3.
Variant type: single nucleotide variant.
Coding change: c.2490C>T on transcript NM_182925.5 (MANE Select); coding-DNA position 2490, C replaced by T.
Protein change: p.Tyr830=; no amino-acid change (tyrosine 830 retained).
Molecular consequence: synonymous variant.
Genome position (GRCh38, 1-based): chr5:180,620,225, G>A on the plus strand (C>T on the coding strand, the complement: FLT4 is on the minus strand). VCF-style: chr5-180620225-G-A. GRCh37 (hg19) VCF-style: chr5-180047225-G-A.
Other names: c.2490C>T, p.Tyr830= (NM_001354989.2, NM_002020.5).
Identifiers: ClinVar variation 3388302 (VCV003388302.14).